The following is an entry in ClinVar:

NM_006922.4(SCN3A):c.2791C>T (p.His931Tyr)

Gene: SCN3A (sodium voltage-gated channel alpha subunit 3; minus strand). Cytogenetic location: 2q24.3.
Variant type: single nucleotide variant.
Coding change: c.2791C>T on transcript NM_006922.4 (MANE Select); coding-DNA position 2791, C replaced by T.
Protein change: p.His931Tyr; replaces histidine 931 with tyrosine.
Molecular consequence: missense variant.
Genome position (GRCh38, 1-based): chr2:165,130,071, G>A on the plus strand (C>T on the coding strand, the complement: SCN3A is on the minus strand). VCF-style: chr2-165130071-G-A. GRCh37 (hg19) VCF-style: chr2-165986581-G-A.
Other names: c.2644C>T, p.His882Tyr (NM_001081676.2, NM_001081677.2); short protein forms H882Y, H931Y.
Identifiers: ClinVar variation 1304507 (VCV001304507.4), dbSNP rs2105772102, ClinGen allele CA349042514.

ClinVar aggregate classification (germline): Uncertain significance (1 of 4 stars; one submission).

Submission:

GeneDx
Classification: Uncertain significance. Last evaluated: 2026-08-05. Review status: criteria provided, single submitter. Criteria: GeneDx Variant Classification Process June 2021. Collection method: clinical testing. Allele origin: germline.
Comment: Not observed at significant frequency in large population cohorts (gnomAD); In silico analysis supports that this missense variant has a deleterious effect on protein structure/function; Has not been previously published as pathogenic or benign to our knowledge